The following is an entry in ClinVar:

NM_199420.4(POLQ):c.1094A>G (p.His365Arg)

Gene: POLQ (DNA polymerase theta; minus strand). Cytogenetic location: 3q13.33.
Variant type: single nucleotide variant.
Coding change: c.1094A>G on transcript NM_199420.4 (MANE Select); coding-DNA position 1094, A replaced by G.
Protein change: p.His365Arg; replaces histidine 365 with arginine.
Molecular consequence: missense variant.
Genome position (GRCh38, 1-based): chr3:121,529,659, T>C on the plus strand (A>G on the coding strand, the complement: POLQ is on the minus strand). VCF-style: chr3-121529659-T-C. GRCh37 (hg19) VCF-style: chr3-121248506-T-C.
Other names: short protein forms H365R.
Identifiers: ClinVar variation 1790099 (VCV001790099.2), dbSNP rs2546816942, ClinGen allele CA354124232.

ClinVar aggregate classification (germline): Uncertain significance (1 of 4 stars; one submission).

Allele frequency attached by ClinVar (database versions not stated): gnomAD exomes below 0.00001.
gnomAD v4.1: 2 of 1,613,588 alleles (0.00012%); highest among the groups gnomAD compares: East Asian, 0.0022%; no homozygotes.

Submission:

Ambry Genetics
Classification: Uncertain significance. Last evaluated: 2022-02-05. Review status: criteria provided, single submitter. Criteria: Ambry Variant Classification Scheme 2023. Collection method: clinical testing. Allele origin: germline.
Comment: The p.H365R variant (also known as c.1094A>G), located in coding exon 7 of the POLQ gene, results from an A to G substitution at nucleotide position 1094. The histidine at codon 365 is replaced by arginine, an amino acid with highly similar properties. This amino acid position is conserved. In addition, this alteration is predicted to be tolerated by in silico analysis. Since supporting evidence is limited at this time, the clinical significance of this alteration remains unclear.